The following is an entry in ClinVar:

ClinVar aggregate classification (germline): Likely benign (0 of 4 stars; one submission).

Conditions:
IL4R-related disorder. Also called: IL4R-related condition.

Allele frequency attached by ClinVar (database versions not stated): ExAC 0.00017; gnomAD 0.00036; ESP Exome Variant Server 0.00046; 1000 Genomes Project 30x 0.00094; 1000 Genomes Project 0.00120.
gnomAD v4.1: 96 of 1,614,014 alleles (0.0059%); highest among the groups gnomAD compares: African/African-American, 0.12%; no homozygotes.

Submission:

PreventionGenetics, part of Exact Sciences
Classification: Likely benign for IL4R-related condition. Last evaluated: 2022-02-15. Review status: no assertion criteria provided. Collection method: clinical testing. Allele origin: germline.
Comment: This variant is classified as likely benign based on ACMG/AMP sequence variant interpretation guidelines (Richards et al. 2015 PMID: 25741868, with internal and published modifications).

NM_000418.4(IL4R):c.1100C>A (p.Ala367Asp)

Gene: IL4R (interleukin 4 receptor; plus strand). Cytogenetic location: 16p12.1.
Variant type: single nucleotide variant.
Coding change: c.1100C>A on transcript NM_000418.4 (MANE Select); coding-DNA position 1100, C replaced by A.
Protein change: p.Ala367Asp; replaces alanine 367 with aspartic acid.
Molecular consequence: missense variant.
Genome position (GRCh38, 1-based): chr16:27,362,452, C>A. VCF-style: chr16-27362452-C-A. GRCh37 (hg19) VCF-style: chr16-27373773-C-A.
Other names: c.1100C>A, p.Ala367Asp (NM_001257406.2); c.1055C>A, p.Ala352Asp (NM_001257407.2); c.620C>A, p.Ala207Asp (NM_001257997.2); short protein forms A207D, A352D, A367D.
Identifiers: ClinVar variation 3047445 (VCV003047445.2), dbSNP rs141632606, ClinGen allele CA7974489.